The following is an entry in ClinVar:

NM_001243439.2(SPECC1):c.35T>G (p.Ile12Ser)

Gene: SPECC1 (sperm antigen with calponin homology and coiled-coil domains 1; plus strand). Cytogenetic location: 17p11.2.
Variant type: single nucleotide variant.
Coding change: c.35T>G on transcript NM_001243439.2 (MANE Select); coding-DNA position 35, T replaced by G.
Protein change: p.Ile12Ser; replaces isoleucine 12 with serine.
Molecular consequence: missense variant. On other transcripts: 5 prime UTR variant (1).
Genome position (GRCh38, 1-based): chr17:20,096,686, T>G. VCF-style: chr17-20096686-T-G. GRCh37 (hg19) VCF-style: chr17-19999999-T-G.
Other names: c.35T>G (NM_001033553.2); c.35T>G, p.Ile12Ser (NM_001033553.3, NM_001386078.2, NM_001386079.1 and 5 more transcripts); c.-736T>G (NM_001386080.1); c.59T>G, p.Ile20Ser (NM_001386084.1); short protein forms I12S, I20S.
Identifiers: ClinVar variation 3770468 (VCV003770468.14).

ClinVar aggregate classification (germline): Conflicting classifications of pathogenicity. Review status: criteria provided, conflicting classifications (1 of 4 stars). 2 submissions from 2 submitters: Uncertain significance (1); Likely benign (1). Last evaluated 2025-08-14.

gnomAD v4.1: 8,028 of 1,614,050 alleles (0.5%); highest among the groups gnomAD compares: Non-Finnish European, 0.6%; 28 homozygotes.

Submissions (2):

Ambry Genetics
Classification: Uncertain significance. Last evaluated: 2025-08-14. Review status: criteria provided, single submitter. Criteria: Ambry Variant Classification Scheme 2023. Collection method: clinical testing. Allele origin: germline.

CeGaT Center for Human Genetics Tuebingen
Classification: Likely benign. Last evaluated: 2025-01-01. Review status: criteria provided, single submitter. Criteria: CeGaT Center For Human Genetics Tuebingen Variant Classification Criteria Version 2. Collection method: clinical testing. Allele origin: germline. Affected: yes. Observed: 1 variant allele.
Comment: SPECC1: BP4, BS2